The following is an entry in ClinVar:

NM_000089.4(COL1A2):c.1764+3_1764+6del

Gene: COL1A2 (collagen type I alpha 2 chain; plus strand). Cytogenetic location: 7q21.3.
Variant type: Deletion.
Coding change: c.1764+3_1764+6del on transcript NM_000089.4 (MANE Select); bases 3 to 6 of the intron after coding-DNA position 1764, 4 bases deleted (AAGT; older notation c.1764+3_1764+6delAAGT).
Molecular consequence: splice donor variant.
Genome position (GRCh38, 1-based): chr7:94,415,273-94,415,276, AAGT deleted; deleting any 4 consecutive bases within chr7:94,415,270-94,415,276 gives the same sequence; the c. name uses the placement nearest the transcript's 3' end. VCF-style (leftmost placement, unchanged base first): chr7-94415269-GAGTA-G. GRCh37 (hg19) VCF-style: chr7-94044581-GAGTA-G.
Identifiers: ClinVar variation 4855845 (VCV004855845.1).

ClinVar aggregate classification (germline): Likely pathogenic (1 of 4 stars; one submission).

Conditions:
COL1A2-related disorder. Also called: COL1A2-related condition; COL1A2-Related Disorders.

Submission:

3billion
Classification: Likely pathogenic for COL1A2-related disorder. Last evaluated: 2025-11-10. Review status: criteria provided, single submitter. Criteria: ACMG Guidelines, 2015. Collection method: clinical testing. Allele origin: germline. Affected: yes.
Comment: The variant is not observed in the gnomAD v4.1.0 dataset. Predicted Consequence/Location: Canonical splice site: predicted to alter splicing and result in a loss or disruption of normal protein function. Multiple pathogenic loss-of-function variants are reported downstream of the variant. In silico tools predict the variant to alter splicing and produce an abnormal transcript [SpliceAI: 0.99 (spliceogenicity >=0.2, non-spliceogenicity <0.1)]. The variant has been reported as of uncertain significance (PMID: 33777089). Therefore, this variant is classified as Likely pathogenic according to the recommendation of ACMG/AMP guideline.